The following is an entry in ClinVar:

ClinVar aggregate classification (germline): Uncertain significance. Review status: criteria provided, multiple submitters, no conflicts (2 of 4 stars). 2 submissions from 2 submitters: Uncertain significance (2). Last evaluated 2024-10-21.

Conditions:
Inborn genetic diseases. Identifiers: MedGen C0950123, MeSH D030342.

Allele frequency attached by ClinVar (database versions not stated): gnomAD exomes 0.00001 and 0.00002; gnomAD 0.00007 and 0.00009; TOPMed 0.00008.

Submissions (2):

Labcorp Genetics (formerly Invitae), Labcorp
Classification: Uncertain significance. Last evaluated: 2024-10-21. Review status: criteria provided, single submitter. Criteria: Invitae Variant Classification Sherloc (09022015). Collection method: clinical testing. Allele origin: germline.
Comment: This sequence change replaces aspartic acid, which is acidic and polar, with asparagine, which is neutral and polar, at codon 2395 of the ADGRV1 protein (p.Asp2395Asn). This variant is present in population databases (no rsID available, gnomAD 0.01%). This variant has not been reported in the literature in individuals affected with ADGRV1-related conditions. ClinVar contains an entry for this variant (Variation ID: 1041463). Invitae Evidence Modeling of protein sequence and biophysical properties (such as structural, functional, and spatial information, amino acid conservation, physicochemical variation, residue mobility, and thermodynamic stability) indicates that this missense variant is not expected to disrupt ADGRV1 protein function with a negative predictive value of 80%. In summary, the available evidence is currently insufficient to determine the role of this variant in disease. Therefore, it has been classified as a Variant of Uncertain Significance.

Ambry Genetics
Classification: Uncertain significance for Inborn genetic diseases. Last evaluated: 2024-04-01. Review status: criteria provided, single submitter. Criteria: Ambry Variant Classification Scheme 2023. Collection method: clinical testing. Allele origin: germline.

NM_032119.4(ADGRV1):c.7183G>A (p.Asp2395Asn)

Gene: ADGRV1 (adhesion G protein-coupled receptor V1; plus strand). Cytogenetic location: 5q14.3.
Variant type: single nucleotide variant.
Coding change: c.7183G>A on transcript NM_032119.4 (MANE Select); coding-DNA position 7183, G replaced by A.
Protein change: p.Asp2395Asn; replaces aspartic acid 2395 with asparagine.
Molecular consequence: missense variant. On other transcripts: non-coding transcript variant (1).
Genome position (GRCh38, 1-based): chr5:90,693,939, G>A. VCF-style: chr5-90693939-G-A. GRCh37 (hg19) VCF-style: chr5-89989756-G-A.
Other names: c.7183G>A (NM_032119.3); short protein forms D2395N.
Identifiers: ClinVar variation 1041463 (VCV001041463.9), dbSNP rs867741530, ClinGen allele CA122797322.